The following is an entry in ClinVar:

ClinVar aggregate classification (germline): Uncertain significance (1 of 4 stars; one submission).

Allele frequency attached by ClinVar (database versions not stated): gnomAD exomes 0.00004 and 0.00006; ExAC 0.00008; TOPMed 0.00017; gnomAD 0.00022 and 0.00025; ESP Exome Variant Server 0.00023.
gnomAD v4.1: 88 of 1,611,698 alleles (0.0055%); highest among the groups gnomAD compares: African/African-American, 0.084%; 1 homozygote.

Submission:

Labcorp Genetics (formerly Invitae), Labcorp
Classification: Uncertain significance. Last evaluated: 2022-09-07. Review status: criteria provided, single submitter. Criteria: Invitae Variant Classification Sherloc (09022015). Collection method: clinical testing. Allele origin: germline.
Comment: This sequence change replaces arginine, which is basic and polar, with histidine, which is basic and polar, at codon 754 of the ZNF341 protein (p.Arg754His). This variant is present in population databases (rs146184232, gnomAD 0.05%). This variant has not been reported in the literature in individuals affected with ZNF341-related conditions. ClinVar contains an entry for this variant (Variation ID: 1477095). Algorithms developed to predict the effect of missense changes on protein structure and function output the following: SIFT: "Tolerated"; PolyPhen-2: "Benign"; Align-GVGD: "Class C0". The histidine amino acid residue is found in multiple mammalian species, which suggests that this missense change does not adversely affect protein function. In summary, the available evidence is currently insufficient to determine the role of this variant in disease. Therefore, it has been classified as a Variant of Uncertain Significance.

NM_001282933.2(ZNF341):c.2282G>A (p.Arg761His)

Genes: ZNF341 (zinc finger protein 341; plus strand), ZNF341-AS1 (ZNF341 antisense RNA 1; minus strand). Cytogenetic location: 20q11.22.
Variant type: single nucleotide variant.
Coding change: c.2282G>A on transcript NM_001282933.2 (MANE Select); coding-DNA position 2282, G replaced by A.
Protein change: p.Arg761His; replaces arginine 761 with histidine.
Molecular consequence: missense variant. On other transcripts: non-coding transcript variant (1).
Genome position (GRCh38, 1-based): chr20:33,791,234, G>A. VCF-style: chr20-33791234-G-A. GRCh37 (hg19) VCF-style: chr20-32379040-G-A.
Other names: c.2012G>A, p.Arg671His (NM_001282935.2); c.2261G>A, p.Arg754His (NM_032819.5); short protein forms R671H, R754H, R761H.
Identifiers: ClinVar variation 1477095 (VCV001477095.3), dbSNP rs146184232, ClinGen allele CA9819768.
Genomic context (GRCh38, chr20:33,791,234, plus strand): 5'-TGCAAACCCGGCGGCCCCCCCAGAGGAGGGCAGCCCCCCGCAGTTGCGGCAGTGGTGGGC[G>A]CAAGGTGCTGACCCCCTTGCCTGACCCGCTGGGGCTGGAGGAGCTGAAGGACACAGGGGC-3'
Protein context (NP_001269862.1, residues 751-771): AAPRSCGSGG[Arg761His]KVLTPLPDPL